The following is an entry in ClinVar:

NM_007294.4(BRCA1):c.3048_3052dup (p.Asn1018fs)

Gene: BRCA1 (BRCA1 DNA repair associated; minus strand). Cytogenetic location: 17q21.31.
Variant type: Duplication.
Coding change: c.3048_3052dup on transcript NM_007294.4 (MANE Select); coding-DNA positions 3048 to 3052, 5 bases duplicated (TGAGA; older notation c.3048_3052dupTGAGA).
Protein change: p.Asn1018fs; shifts the reading frame from asparagine 1018.
Molecular consequence: frameshift variant. On other transcripts: intron variant (137).
Genome position (GRCh38, 1-based): chr17:43,092,479-43,092,483, TCTCA duplicated on the plus strand (TGAGA on the coding strand, the reverse complement: BRCA1 is on the minus strand); duplicating any 5 consecutive bases within chr17:43,092,479-43,092,484 gives the same sequence; the c. name uses the placement nearest the transcript's 3' end. VCF-style (leftmost placement, unchanged base first): chr17-43092478-T-TTCTCA. GRCh37 (hg19) VCF-style: chr17-41244495-T-TTCTCA.
Other names: 3171ins5; 3166ins5; 3166insTGAGA; c.3052_3053insTGAGA (U14680.1); c.3048_3052dupTGAGA (NM_007294.3); c.2907_2911dup, p.Asn971fs (NM_001407944.1, NM_001407945.1, NM_007297.4 and 29 more transcripts); c.2715_2719dup, p.Asn907fs (NM_001407946.1, NM_001407947.1, NM_001407948.1 and 6 more transcripts); c.2712_2716dup, p.Asn906fs (NM_001407954.1, NM_001407955.1, NM_001407956.1 and 1 more transcripts); and 47 more; short protein forms N1018fs, N971fs, N890fs, N906fs, N907fs, N929fs, N948fs, N970fs.
Identifiers: ClinVar variation 54763 (VCV000054763.60), dbSNP rs80357856, ClinGen allele CA002003.

ClinVar aggregate classification (germline): Pathogenic. Review status: reviewed by expert panel (3 of 4 stars). 24 submissions from 24 submitters: Pathogenic (1). 23 of the submissions do not count toward it. Last evaluated 2016-10-18.

Conditions:
BRCA1-related disorder. Also called: BRCA1-related condition.
Hereditary cancer-predisposing syndrome. Also called: Tumor predisposition; Neoplastic Syndromes, Hereditary; Hereditary Cancer Syndrome; Hereditary neoplastic syndrome. Identifiers: Orphanet 140162, MedGen C0027672, MeSH D009386, MONDO:0015356.
Hereditary breast ovarian cancer syndrome. Also called: Hereditary breast and ovarian cancer syndrome (HBOC); Hereditary breast and ovarian cancer syndrome; Hereditary breast and ovarian cancer; Hereditary breast and/or ovarian cancer syndrome; Breast and ovarian cancer; BRCA1- and BRCA2-Associated Hereditary Breast and Ovarian Cancer. Identifiers: Orphanet 145, MedGen C0677776, MeSH D061325, MONDO:0003582. Disease mechanism: loss of function.
Breast-ovarian cancer, familial, susceptibility to, 1 (BROVCA1). Also called: OVARIAN CANCER, SUSCEPTIBILITY TO; BRCA1 Hereditary Breast and Ovarian Cancer. Identifiers: Orphanet 145, MedGen C2676676, MONDO:0011450, OMIM 604370. Disease mechanism: loss of function.
Malignant tumor of breast. Also called: Malignant breast neoplasm; Cancer breast. Identifiers: MedGen C0006142, MONDO:0007254. Disease mechanism: loss of function.

Submissions 1 to 9 of 24:

Evidence-based Network for the Interpretation of Germline Mutant Alleles (ENIGMA)
Classification: Pathogenic for Breast-ovarian cancer, familial, susceptibility to, 1. Last evaluated: 2016-10-18. Review status: reviewed by expert panel. Criteria: ENIGMA BRCA1/2 Classification Criteria (2015). Collection method: curation. Allele origin: germline.
Comment: Variant allele predicted to encode a truncated non-functional protein.

PreventionGenetics, part of Exact Sciences
Classification: Pathogenic for BRCA1-related condition. Last evaluated: 2026-02-05. Review status: criteria provided, single submitter. Criteria: ACMG Guidelines, 2015. Collection method: clinical testing. Allele origin: germline. Not counted in ClinVar's aggregate classification.
Comment: The BRCA1 c.3048_3052dup5 variant is predicted to result in a frameshift and premature protein termination (p.Asn1018Metfs*8). This variant has been reported in individuals with breast and/or ovarian cancer and is a common variant in individuals of western Swedish ancestry (Table S1, Cunningham et al. 2014. PubMed ID: 24504028; Table 3, denoted as 3166 ins 5-ter 1025, Shattuck-Eidens et al. 1995. PubMed ID: 7837387; Bergman et al. 2001. PubMed ID: 11781691). This variant is reported in 0.0035% of alleles in individuals of European (non-Finnish) descent in gnomAD. This variant has been classified as pathogenic by an expert panel in ClinVar (Variation ID: 54763). Frameshift variants in BRCA1 are expected to be pathogenic. This variant is interpreted as pathogenic.

Labcorp Genetics (formerly Invitae), Labcorp
Classification: Pathogenic for Hereditary breast ovarian cancer syndrome. Last evaluated: 2026-01-26. Review status: criteria provided, single submitter. Criteria: Invitae Variant Classification Sherloc (09022015). Collection method: clinical testing. Allele origin: germline. Not counted in ClinVar's aggregate classification.
Comment: This sequence change creates a premature translational stop signal (p.Asn1018Metfs*8) in the BRCA1 gene. It is expected to result in an absent or disrupted protein product. Loss-of-function variants in BRCA1 are known to be pathogenic (PMID: 20104584). This variant is present in population databases (rs80357856, gnomAD 0.004%). This premature translational stop signal has been observed in individual(s) with breast and/or ovarian cancer (PMID: 11781691, 15951958, 20151938, 24504028). It is commonly reported in individuals of Western Swedish ancestry (PMID: 11781691, 15951958, 20151938). This variant is also known as 3171ins5. ClinVar contains an entry for this variant (Variation ID: 54763). For these reasons, this variant has been classified as Pathogenic.

Center for Genomic Medicine, Rigshospitalet, Copenhagen University Hospital
Classification: Pathogenic. Last evaluated: 2025-12-29. Review status: criteria provided, single submitter. Criteria: ACMG Guidelines, 2015. Collection method: clinical testing. Allele origin: germline. Not counted in ClinVar's aggregate classification.

Ambry Genetics
Classification: Pathogenic for Hereditary cancer-predisposing syndrome. Last evaluated: 2025-02-03. Review status: criteria provided, single submitter. Criteria: Ambry Variant Classification Scheme 2023. Collection method: clinical testing. Allele origin: germline. Not counted in ClinVar's aggregate classification.
Comment: The c.3048_3052dupTGAGA pathogenic mutation, located in coding exon 9 of the BRCA1 gene, results from a duplication of TGAGA at nucleotide position 3048, causing a translational frameshift with a predicted alternate stop codon (p.N1018Mfs*8). This mutation has been reported in multiple hereditary breast and ovarian cancer (HBOC) syndrome families and has been established as a Swedish founder mutation and the most recurrent BRCA1 or BRCA2 mutation in this population (Shattuck-Eidens D et al. JAMA. 1995 Feb;273:535-41; Johannsson O et al. Am J Hum Genet, 1996 Mar;58:441-50; Einbeigi Z et al. Eur J Cancer, 2001 Oct;37:1904-9; Bergman A et al. Eur. J. Hum. Genet. 2001 Oct;9:787-93; Soegaard M et al. Clin. Cancer Res. 2008 Jun;14:3761-7; Swisher EM et al. Cancer Res, 2008 Apr;68:2581-6; Thomassen M et al. Acta Oncol, 2008;47:772-7; Borg A et al. Hum Mutat, 2010 Mar;31:E1200-40; Janavicius R. EPMA J. 2010 Sep;1:397-412; Cunningham JM et al. Sci Rep 2014;4:4026; Song H et al. Hum. Mol. Genet. 2014 Sep;23:4703-9; Nielsen HR et al. Fam Cancer, 2016 10;15:507-12; Rebbeck TR et al. Breast Cancer Res. 2016 Nov;18:112). Of note, this variant is also referred to as 3171ins5, 3172ins5, and 3166ins5 in published literature. In addition to the clinical data presented in the literature, this alteration is expected to result in loss of function by premature protein truncation or nonsense-mediated mRNA decay. As such, this alteration is interpreted as a disease-causing mutation.

Department of Clinical Genetics, Copenhagen University Hospital, Rigshospitalet
Classification: Pathogenic for Breast-ovarian cancer, familial, susceptibility to, 1. Last evaluated: 2024-05-27. Review status: criteria provided, single submitter. Criteria: ACMG Guidelines, 2015. Collection method: clinical testing. Allele origin: germline. Affected: yes. Not counted in ClinVar's aggregate classification.
Comment: PVS1; PM5_PTC_Strong

Women's Health and Genetics/Laboratory Corporation of America, LabCorp
Classification: Pathogenic for Hereditary breast ovarian cancer syndrome. Last evaluated: 2024-05-13. Review status: criteria provided, single submitter. Criteria: LabCorp Variant Classification Summary - May 2015. Collection method: clinical testing. Allele origin: germline. Not counted in ClinVar's aggregate classification.
Comment: Variant summary: BRCA1 c.3048_3052dupTGAGA (p.Asn1018MetfsX8) results in a premature termination codon, predicted to cause a truncation of the encoded protein or absence of the protein due to nonsense mediated decay, which are commonly known mechanisms for disease. The variant allele was found at a frequency of 1.6e-05 in 254200 control chromosomes. c.3048_3052dupTGAGA has been reported in the literature in multiple individuals affected with Hereditary Breast And Ovarian Cancer Syndrome. These data indicate that the variant is very likely to be associated with disease. To our knowledge, no experimental evidence demonstrating an impact on protein function has been reported. The following publications have been ascertained in the context of this evaluation (PMID: , 18465347, 24728189, 7837387, 24240112). ClinVar contains an entry for this variant (Variation ID: 54763). Based on the evidence outlined above, the variant was classified as pathogenic.

Clinical Genetics Laboratory, Skane University Hospital Lund
Classification: Pathogenic. Last evaluated: 2023-12-05. Review status: criteria provided, single submitter. Criteria: ACMG Guidelines, 2015. Collection method: clinical testing. Allele origin: germline. Affected: yes. Not counted in ClinVar's aggregate classification.

All of Us Research Program, National Institutes of Health
Classification: Pathogenic for Breast-ovarian cancer, familial, susceptibility to, 1. Last evaluated: 2023-06-26. Review status: criteria provided, single submitter. Criteria: ACMG Guidelines, 2015. Collection method: clinical testing. Allele origin: germline. Inheritance: Autosomal dominant inheritance. Observed: 1 variant allele, 1 heterozygote. Not counted in ClinVar's aggregate classification.
Comment: This variant inserts 5 nucleotides in exon 10 of the BRCA1 gene, creating a frameshift and premature translation stop signal. This variant is expected to result in an absent or non-functional protein product. This variant is also known as 3166ins5, 3171ins5, and 3172ins5 in the literature. This variant has been reported in individuals affected with breast and/or ovarian cancer, and in high-risk hereditary breast and ovarian cancer families (PMID: 7837387, 8644702, 11576847, 11781691, 15951958, 18465347, 18559594, 20104584, 20151938, 24504028, 34680387). This variant has been identified recurrently in the Swedish population and has been established as a founder variant (PMID: 8644702, 11576847, 11781691, 15951958, 20151938, 23199084). This variant has been identified in 90 families among the CIMBA participants (PMID: 29446198). This variant has been identified in 4/251144 chromosomes in the general population by the Genome Aggregation Database (gnomAD). Loss of BRCA1 function is a known mechanism of disease. Based on the available evidence, this variant is classified as Pathogenic.

This study involves interpretation of variants in research participants for the purpose of population health screening. Participant phenotype was not available at the time of variant classification. Additional details can be found in publication PMID: 35346344, PMCID: PMC8962531